The following is an entry in ClinVar:

ClinVar aggregate classification (germline): Conflicting classifications of pathogenicity. Review status: criteria provided, conflicting classifications (1 of 4 stars). 5 submissions from 5 submitters: Uncertain significance (1); Benign (1); Likely benign (3). Last evaluated 2025-01-08.

Conditions:
Familial cancer of breast. Also called: BREAST CANCER, FAMILIAL; Hereditary breast cancer; hereditary breast carcinoma. Identifiers: Orphanet 227535, MedGen C0346153, MONDO:0016419, OMIM 114480. Disease mechanism: loss of function.
Hereditary cancer-predisposing syndrome. Also called: Hereditary neoplastic syndrome; Neoplastic Syndromes, Hereditary; Tumor predisposition; Hereditary Cancer Syndrome. Identifiers: Orphanet 140162, MedGen C0027672, MeSH D009386, MONDO:0015356.
Fanconi anemia complementation group J. Also called: BRIP1-Related Fanconi Anemia. Identifiers: Orphanet 84, MedGen C1836860, MONDO:0012187, OMIM 609054.

Allele frequency attached by ClinVar (database versions not stated): gnomAD exomes below 0.00001; ExAC 0.00001.
gnomAD v4.1: 1 of 1,614,188 alleles (0.000062%); highest among the groups gnomAD compares: Non-Finnish European, 0.000085%; no homozygotes.

Submissions (5):

Labcorp Genetics (formerly Invitae), Labcorp
Classification: Likely benign for Familial cancer of breast; Fanconi anemia complementation group J. Last evaluated: 2025-01-08. Review status: criteria provided, single submitter. Criteria: Invitae Variant Classification Sherloc (09022015). Collection method: clinical testing. Allele origin: germline.

Myriad Genetics, Inc.
Classification: Benign for Familial cancer of breast. Last evaluated: 2024-08-30. Review status: criteria provided, single submitter. Criteria: Myriad Autosomal Dominant, Autosomal Recessive and X-Linked Classification Criteria (2023). Collection method: clinical testing. Allele origin: unknown.
Comment: This variant is considered benign. This variant is a silent/synonymous amino acid change and it is not expected to impact splicing.

GeneDx
Classification: Uncertain significance. Last evaluated: 2024-05-28. Review status: criteria provided, single submitter. Criteria: GeneDx Variant Classification Process June 2021. Collection method: clinical testing. Allele origin: germline. Affected: yes.
Comment: Not observed at significant frequency in large population cohorts (gnomAD); In silico analysis indicates that this variant does not alter splicing; Has not been previously published as pathogenic or benign to our knowledge

Women's Health and Genetics/Laboratory Corporation of America, LabCorp
Classification: Likely benign. Last evaluated: 2019-08-28. Review status: criteria provided, single submitter. Criteria: LabCorp Variant Classification Summary - May 2015. Collection method: clinical testing. Allele origin: germline.

Ambry Genetics
Classification: Likely benign for Hereditary cancer-predisposing syndrome. Last evaluated: 2017-09-07. Review status: criteria provided, single submitter. Criteria: Ambry Variant Classification Scheme 2023. Collection method: clinical testing. Allele origin: germline.

NM_032043.3(BRIP1):c.1953T>C (p.Ile651=)

Gene: BRIP1 (BRCA1 interacting DNA helicase 1; minus strand). Cytogenetic location: 17q23.2.
Variant type: single nucleotide variant.
Coding change: c.1953T>C on transcript NM_032043.3 (MANE Select); coding-DNA position 1953, T replaced by C.
Protein change: p.Ile651=; no amino-acid change (isoleucine 651 retained).
Molecular consequence: synonymous variant.
Genome position (GRCh38, 1-based): chr17:61,776,545, A>G on the plus strand (T>C on the coding strand, the complement: BRIP1 is on the minus strand). VCF-style: chr17-61776545-A-G. GRCh37 (hg19) VCF-style: chr17-59853906-A-G.
Identifiers: ClinVar variation 483212 (VCV000483212.19), dbSNP rs754400631, ClinGen allele CA8690615.